The following is an entry in ClinVar:

ClinVar aggregate classification (germline): Uncertain significance. Review status: criteria provided, multiple submitters, no conflicts (2 of 4 stars). 2 submissions from 2 submitters: Uncertain significance (2). Last evaluated 2025-05-13.

Conditions:
Inborn genetic diseases. Identifiers: MedGen C0950123, MeSH D030342.

gnomAD v4.1: 38 of 1,609,136 alleles (0.0024%); highest among the groups gnomAD compares: African/African-American, 0.0067%; no homozygotes.

Submissions (2):

Labcorp Genetics (formerly Invitae), Labcorp
Classification: Uncertain significance. Last evaluated: 2025-05-13. Review status: criteria provided, single submitter. Criteria: Invitae Variant Classification Sherloc (09022015). Collection method: clinical testing. Allele origin: germline.
Comment: This sequence change replaces valine, which is neutral and non-polar, with isoleucine, which is neutral and non-polar, at codon 1186 of the FOCAD protein (p.Val1186Ile). This variant is present in population databases (rs776980948, gnomAD 0.004%). This variant has not been reported in the literature in individuals affected with FOCAD-related conditions. ClinVar contains an entry for this variant (Variation ID: 3516495). Experimental studies and prediction algorithms are not available or were not evaluated, and the functional significance of this variant is currently unknown. In summary, the available evidence is currently insufficient to determine the role of this variant in disease. Therefore, it has been classified as a Variant of Uncertain Significance.

Ambry Genetics
Classification: Uncertain significance for Inborn genetic diseases. Last evaluated: 2024-07-17. Review status: criteria provided, single submitter. Criteria: Ambry Variant Classification Scheme 2023. Collection method: clinical testing. Allele origin: germline.

NM_001375567.1(FOCAD):c.3556G>A (p.Val1186Ile)

Gene: FOCAD (focadhesin; plus strand). Cytogenetic location: 9p21.3.
Variant type: single nucleotide variant.
Coding change: c.3556G>A on transcript NM_001375567.1 (MANE Select); coding-DNA position 3556, G replaced by A.
Protein change: p.Val1186Ile; replaces valine 1186 with isoleucine.
Molecular consequence: missense variant.
Genome position (GRCh38, 1-based): chr9:20,946,701, G>A. VCF-style: chr9-20946701-G-A. GRCh37 (hg19) VCF-style: chr9-20946700-G-A.
Other names: c.3451G>A, p.Val1151Ile (NM_001375568.1, NM_001375570.1); c.3556G>A, p.Val1186Ile (NM_017794.5); short protein forms V1151I, V1186I.
Identifiers: ClinVar variation 3516495 (VCV003516495.3).